The following is an entry in ClinVar:

NM_152564.5(VPS13B):c.11231T>G (p.Ile3744Arg)

Gene: VPS13B (vacuolar protein sorting 13 homolog B; plus strand). Cytogenetic location: 8q22.2.
Variant type: single nucleotide variant.
Coding change: c.11231T>G on transcript NM_152564.5 (MANE Select); coding-DNA position 11231, T replaced by G.
Protein change: p.Ile3744Arg; replaces isoleucine 3744 with arginine.
Molecular consequence: missense variant.
Genome position (GRCh38, 1-based): chr8:99,868,304, T>G. VCF-style: chr8-99868304-T-G. GRCh37 (hg19) VCF-style: chr8-100880532-T-G.
Other names: c.11306T>G, p.Ile3769Arg (NM_017890.5); short protein forms I3769R, I3744R.
Identifiers: ClinVar variation 4978222 (VCV004978222.1).

ClinVar aggregate classification (germline): Uncertain significance (1 of 4 stars; one submission).

Conditions:
VPS13B-related disorder. Also called: VPS13B-related condition.

gnomAD v4.1: 1 of 1,614,182 alleles (0.000062%); highest among the groups gnomAD compares: Middle Eastern, 0.016%; no homozygotes.

Submission:

PreventionGenetics, part of Exact Sciences
Classification: Uncertain significance for VPS13B-related condition. Last evaluated: 2026-02-22. Review status: criteria provided, single submitter. Criteria: ACMG Guidelines, 2015. Collection method: clinical testing. Allele origin: germline.
Comment: The VPS13B c.11231T>G variant is predicted to result in the amino acid substitution p.Ile3744Arg. To our knowledge, this variant has not been reported in the literature or in a large population database (gnomAD), indicating this variant is rare. At this time, the clinical significance of this variant is uncertain due to the absence of conclusive functional and genetic evidence.